The following is an entry in ClinVar:

ClinVar aggregate classification (germline): Uncertain significance (1 of 4 stars; one submission).

Allele frequency attached by ClinVar (database versions not stated): gnomAD 0.00001.
gnomAD v4.1: 1 of 1,614,068 alleles (0.000062%); highest among the groups gnomAD compares: African/African-American, 0.0013%; no homozygotes.

Submission:

Labcorp Genetics (formerly Invitae), Labcorp
Classification: Uncertain significance. Last evaluated: 2022-10-13. Review status: criteria provided, single submitter. Criteria: Invitae Variant Classification Sherloc (09022015). Collection method: clinical testing. Allele origin: germline.
Comment: This sequence change replaces proline, which is neutral and non-polar, with arginine, which is basic and polar, at codon 713 of the PITPNM3 protein (p.Pro713Arg). This variant is present in population databases (no rsID available, gnomAD 0.01%). This variant has not been reported in the literature in individuals affected with PITPNM3-related conditions. ClinVar contains an entry for this variant (Variation ID: 1377086). Advanced modeling of protein sequence and biophysical properties (such as structural, functional, and spatial information, amino acid conservation, physicochemical variation, residue mobility, and thermodynamic stability) performed at Invitae indicates that this missense variant is not expected to disrupt PITPNM3 protein function. In summary, the available evidence is currently insufficient to determine the role of this variant in disease. Therefore, it has been classified as a Variant of Uncertain Significance.

NM_031220.4(PITPNM3):c.2138C>G (p.Pro713Arg)

Gene: PITPNM3 (PITPNM family member 3; minus strand). Cytogenetic location: 17p13.2.
Variant type: single nucleotide variant.
Coding change: c.2138C>G on transcript NM_031220.4 (MANE Select); coding-DNA position 2138, C replaced by G.
Protein change: p.Pro713Arg; replaces proline 713 with arginine.
Molecular consequence: missense variant.
Genome position (GRCh38, 1-based): chr17:6,464,188, G>C on the plus strand (C>G on the coding strand, the complement: PITPNM3 is on the minus strand). VCF-style: chr17-6464188-G-C. GRCh37 (hg19) VCF-style: chr17-6367508-G-C.
Other names: c.2030C>G, p.Pro677Arg (NM_001165966.2); short protein forms P677R, P713R.
Identifiers: ClinVar variation 1377086 (VCV001377086.8), dbSNP rs904084088, ClinGen allele CA287308811.